The following is an entry in ClinVar:

ClinVar aggregate classification (germline): Uncertain significance (1 of 4 stars; one submission).

Submission:

Labcorp Genetics (formerly Invitae), Labcorp
Classification: Uncertain significance. Last evaluated: 2024-10-16. Review status: criteria provided, single submitter. Criteria: Invitae Variant Classification Sherloc (09022015). Collection method: clinical testing. Allele origin: germline.
Comment: This sequence change falls in intron 3 of the RP1 gene. It does not directly change the encoded amino acid sequence of the RP1 protein. It affects a nucleotide within the consensus splice site. This variant is not present in population databases (gnomAD no frequency). This variant has been observed in individual(s) with retinitis pigmentosa (internal data). ClinVar contains an entry for this variant (Variation ID: 2106834). Variants that disrupt the consensus splice site are a relatively common cause of aberrant splicing (PMID: 17576681, 9536098). Algorithms developed to predict the effect of sequence changes on RNA splicing suggest that this variant may disrupt the consensus splice site. In summary, the available evidence is currently insufficient to determine the role of this variant in disease. Therefore, it has been classified as a Variant of Uncertain Significance.

Literature cited by the submitters: PubMed 17576681; PubMed 9536098.

NM_006269.2(RP1):c.787+5G>A

Gene: RP1 (RP1 axonemal microtubule associated; plus strand). Cytogenetic location: 8q12.1.
Variant type: single nucleotide variant.
Coding change: c.787+5G>A on transcript NM_006269.2 (MANE Select); 5 bases into the intron after coding-DNA position 787, G replaced by A.
Molecular consequence: intron variant.
Genome position (GRCh38, 1-based): chr8:54,622,293, G>A. VCF-style: chr8-54622293-G-A. GRCh37 (hg19) VCF-style: chr8-55534853-G-A.
Other names: c.787+5G>A (NM_001375654.1).
Identifiers: ClinVar variation 2106834 (VCV002106834.4), dbSNP rs2536560735, ClinGen allele CA2580078469.
Genomic context (GRCh38, chr8:54,622,293, plus strand): 5'-AGGGATCTCTCAGCGTGTGTACCCCAAGGGAAATGCAAAGTCAGAAAGCAGAAAGAGTAA[G>A]TCACTTATTAATATATAGCCCATATTTTTAGCCCTGAGATTTTTTTTGCCTCAAGGACGG-3'